The following is an entry in ClinVar:

ClinVar aggregate classification (germline): Uncertain significance (1 of 4 stars; one submission).

Conditions:
Primary ciliary dyskinesia. Also called: Ciliary dyskinesia. Identifiers: Orphanet 244, MedGen C0008780, MONDO:0016575, HP:0012265.

Submission:

Labcorp Genetics (formerly Invitae), Labcorp
Classification: Uncertain significance for Primary ciliary dyskinesia. Last evaluated: 2025-05-13. Review status: criteria provided, single submitter. Criteria: Invitae Variant Classification Sherloc (09022015). Collection method: clinical testing. Allele origin: germline.
Comment: This sequence change replaces valine, which is neutral and non-polar, with leucine, which is neutral and non-polar, at codon 383 of the DNAI2 protein (p.Val383Leu). This variant is not present in population databases (gnomAD no frequency). This variant has not been reported in the literature in individuals affected with DNAI2-related conditions. ClinVar contains an entry for this variant (Variation ID: 2135147). Invitae Evidence Modeling of protein sequence and biophysical properties (such as structural, functional, and spatial information, amino acid conservation, physicochemical variation, residue mobility, and thermodynamic stability) has been performed for this missense variant. However, the output from this modeling did not meet the statistical confidence thresholds required to predict the impact of this variant on DNAI2 protein function. In summary, the available evidence is currently insufficient to determine the role of this variant in disease. Therefore, it has been classified as a Variant of Uncertain Significance.

NM_023036.6(DNAI2):c.1147G>C (p.Val383Leu)

Gene: DNAI2 (dynein axonemal intermediate chain 2; plus strand). Cytogenetic location: 17q25.1.
Variant type: single nucleotide variant.
Coding change: c.1147G>C on transcript NM_023036.6 (MANE Select); coding-DNA position 1147, G replaced by C.
Protein change: p.Val383Leu; replaces valine 383 with leucine.
Molecular consequence: missense variant. On other transcripts: non-coding transcript variant (1).
Genome position (GRCh38, 1-based): chr17:74,305,378, G>C. VCF-style: chr17-74305378-G-C. GRCh37 (hg19) VCF-style: chr17-72301517-G-C.
Other names: c.1147G>C, p.Val383Leu (NM_001172810.3, NM_001353167.2); short protein forms V383L.
Identifiers: ClinVar variation 2135147 (VCV002135147.4), dbSNP rs1276398945, ClinGen allele CA400910267.
Genomic context (GRCh38, chr17:74,305,378, plus strand): 5'-CATCATGGCCCCATCTACGCCCTCCAGAGAAACCCCTTCTACCCGAAGAACTTCCTGACG[G>C]TTGGCGACTGGACAGCCCGCATTTGGTCTGAAGACAGCCGGGAATCGTCCATCATGTGGA-3'
Protein context (NP_075462.3, residues 373-393): NPFYPKNFLT[Val383Leu]GDWTARIWSE